The following is an entry in ClinVar:

ClinVar aggregate classification (germline): Pathogenic (1 of 4 stars; one submission).

Conditions:
Duchenne muscular dystrophy (DMD). Also called: Duchenne Muscular Dystrophy (DMD); MUSCULAR DYSTROPHY, PSEUDOHYPERTROPHIC PROGRESSIVE, DUCHENNE TYPE. Identifiers: Orphanet 98896, MedGen C0013264, MONDO:0010679, OMIM 310200.

Submission:

Labcorp Genetics (formerly Invitae), Labcorp
Classification: Pathogenic for Duchenne muscular dystrophy. Last evaluated: 2022-09-25. Review status: criteria provided, single submitter. Criteria: Invitae Variant Classification Sherloc (09022015). Collection method: clinical testing. Allele origin: germline.
Comment: For these reasons, this variant has been classified as Pathogenic. This variant has not been reported in the literature in individuals affected with DMD-related conditions. This variant is a gross deletion of the genomic region encompassing exon(s) 8-54 of the DMD gene. This deletion is out-of-frame, and is expected to create a premature termination codon and result in an absent or disrupted protein product. Loss-of-function variants in DMD are known to be pathogenic (PMID: 16770791, 25007885).

Literature cited by the submitters: PubMed 16770791; PubMed 25007885.

NC_000023.10:g.(?_31676087)_(32756908_?)del

Gene: DMD (dystrophin; minus strand). Cytogenetic location: Xp21.1.
Variant type: Deletion.
Identifiers: ClinVar variation 2424942 (VCV002424942.5).